The following is an entry in ClinVar:

NM_017755.6(NSUN2):c.1157C>T (p.Thr386Ile)

Gene: NSUN2 (NOP2/Sun RNA methyltransferase 2; minus strand). Cytogenetic location: 5p15.31.
Variant type: single nucleotide variant.
Coding change: c.1157C>T on transcript NM_017755.6 (MANE Select); coding-DNA position 1157, C replaced by T.
Protein change: p.Thr386Ile; replaces threonine 386 with isoleucine.
Molecular consequence: missense variant. On other transcripts: non-coding transcript variant (1).
Genome position (GRCh38, 1-based): chr5:6,611,024, G>A on the plus strand (C>T on the coding strand, the complement: NSUN2 is on the minus strand). VCF-style: chr5-6611024-G-A. GRCh37 (hg19) VCF-style: chr5-6611137-G-A.
Other names: c.1052C>T, p.Thr351Ile (NM_001193455.2); short protein forms T386I, T351I.
Identifiers: ClinVar variation 1908755 (VCV001908755.3), dbSNP rs781184784, ClinGen allele CA3192532.

ClinVar aggregate classification (germline): Uncertain significance (1 of 4 stars; one submission).

Allele frequency attached by ClinVar (database versions not stated): gnomAD exomes below 0.00001; TOPMed below 0.00001; ExAC 0.00001.
gnomAD v4.1: 7 of 1,614,192 alleles (0.00043%); highest among the groups gnomAD compares: South Asian, 0.0033%; no homozygotes.

Submission:

Labcorp Genetics (formerly Invitae), Labcorp
Classification: Uncertain significance. Last evaluated: 2022-04-07. Review status: criteria provided, single submitter. Criteria: Invitae Variant Classification Sherloc (09022015). Collection method: clinical testing. Allele origin: germline.
Comment: This sequence change replaces threonine, which is neutral and polar, with isoleucine, which is neutral and non-polar, at codon 386 of the NSUN2 protein (p.Thr386Ile). This variant is present in population databases (rs781184784, gnomAD 0.007%). This variant has not been reported in the literature in individuals affected with NSUN2-related conditions. Algorithms developed to predict the effect of missense changes on protein structure and function are either unavailable or do not agree on the potential impact of this missense change (SIFT: "Deleterious"; PolyPhen-2: "Benign"; Align-GVGD: "Class C0"). In summary, the available evidence is currently insufficient to determine the role of this variant in disease. Therefore, it has been classified as a Variant of Uncertain Significance.